The following is an entry in ClinVar:

NM_001903.5(CTNNA1):c.1991dup (p.Ala665fs)

Gene: CTNNA1 (catenin alpha 1; plus strand). Cytogenetic location: 5q31.2.
Variant type: Duplication.
Coding change: c.1991dup on transcript NM_001903.5 (MANE Select); coding-DNA position 1991, one base duplicated (T; older notation c.1991dupT).
Protein change: p.Ala665fs; shifts the reading frame from alanine 665.
Molecular consequence: frameshift variant.
Genome position (GRCh38, 1-based): chr5:138,929,337, T duplicated. VCF-style (leftmost placement, unchanged base first): chr5-138929336-A-AT. GRCh37 (hg19) VCF-style: chr5-138265025-A-AT.
Other names: c.1991dup, p.Ala665fs (NM_001290307.3, NM_001323982.2, NM_001323983.1 and 2 more transcripts); c.1682dup, p.Ala562fs (NM_001290309.3); c.1622dup, p.Ala542fs (NM_001290310.3); c.881dup, p.Ala295fs (NM_001290312.1, NM_001323987.1, NM_001323988.1 and 17 more transcripts); c.1898dup, p.Ala634fs (NM_001323986.2); c.542dup, p.Ala182fs (NM_001324006.1, NM_001324007.1, NM_001324008.1 and 2 more transcripts); c.788dup, p.Ala264fs (NM_001324011.1); c.638dup, p.Ala214fs (NM_001324012.1, NM_001324013.1); short protein forms A214fs, A264fs, A295fs, A634fs, A182fs, A542fs, A562fs, A665fs.
Identifiers: ClinVar variation 1047567 (VCV001047567.10), dbSNP rs1764809610, ClinGen allele CA1586087003.

ClinVar aggregate classification (germline): Pathogenic/Likely pathogenic. Review status: criteria provided, multiple submitters, no conflicts (2 of 4 stars). 3 submissions from 3 submitters: Pathogenic (2); Likely pathogenic (1). Last evaluated 2025-09-11.

Conditions:
Hereditary cancer-predisposing syndrome. Also called: Hereditary neoplastic syndrome; Neoplastic Syndromes, Hereditary; Tumor predisposition; Hereditary Cancer Syndrome. Identifiers: Orphanet 140162, MedGen C0027672, MeSH D009386, MONDO:0015356.
Hereditary diffuse gastric adenocarcinoma (HDGC). Also called: DIFFUSE GASTRIC AND LOBULAR BREAST CANCER SYNDROME. Identifiers: Orphanet 26106, MedGen C1708349, MONDO:0007648, OMIM 137215.

Submissions (3):

Labcorp Genetics (formerly Invitae), Labcorp
Classification: Pathogenic. Last evaluated: 2025-09-11. Review status: criteria provided, single submitter. Criteria: Invitae Variant Classification Sherloc (09022015). Collection method: clinical testing. Allele origin: germline.
Comment: This sequence change creates a premature translational stop signal (p.Ala665Serfs*37) in the CTNNA1 gene. It is expected to result in an absent or disrupted protein product. Loss-of-function variants in CTNNA1 are known to be pathogenic (PMID: 32051609, 34425242). This variant is not present in population databases (gnomAD no frequency). This variant has not been reported in the literature in individuals affected with CTNNA1-related conditions. ClinVar contains an entry for this variant (Variation ID: 1047567). For these reasons, this variant has been classified as Pathogenic.

Ambry Genetics
Classification: Pathogenic for Hereditary cancer-predisposing syndrome. Last evaluated: 2025-05-30. Review status: criteria provided, single submitter. Criteria: Ambry Variant Classification Scheme 2023. Collection method: clinical testing. Allele origin: germline.
Comment: The c.1991dupT variant, located in coding exon 13 of the CTNNA1 gene, results from a duplication of T at nucleotide position 1991, causing a translational frameshift with a predicted alternate stop codon (p.A665Sfs*37). This variant was reported in individuals with features consistent with CTNNA1- related diffuse gastric cancer predisposition (Ambry internal data). This alteration is expected to result in loss of function by premature protein truncation or nonsense-mediated mRNA decay. As such, this alteration is interpreted as a disease-causing mutation.

Myriad Genetics, Inc.
Classification: Likely pathogenic for Hereditary diffuse gastric adenocarcinoma. Last evaluated: 2024-02-01. Review status: criteria provided, single submitter. Criteria: Myriad Autosomal Dominant, Autosomal Recessive and X-Linked Classification Criteria (2023). Collection method: clinical testing. Allele origin: unknown.
Comment: This variant is considered likely pathogenic. This variant creates a frameshift predicted to result in premature protein truncation.

Literature cited by the submitters: PubMed 32051609 (cited by Labcorp Genetics (formerly Invitae), Labcorp); PubMed 34425242 (cited by Labcorp Genetics (formerly Invitae), Labcorp).